The following is an entry in ClinVar:

NM_001904.4(CTNNB1):c.1041_1044del (p.Val349fs)

Gene: CTNNB1 (catenin beta 1; plus strand). Cytogenetic location: 3p22.1.
Variant type: Deletion.
Coding change: c.1041_1044del on transcript NM_001904.4 (MANE Select); coding-DNA positions 1041 to 1044, 4 bases deleted (ATCT; older notation c.1041_1044delATCT).
Protein change: p.Val349fs; shifts the reading frame from valine 349.
Molecular consequence: frameshift variant.
Genome position (GRCh38, 1-based): chr3:41,227,312-41,227,315, ATCT deleted; deleting any 4 consecutive bases within chr3:41,227,310-41,227,315 gives the same sequence; the c. name uses the placement nearest the transcript's 3' end. VCF-style (leftmost placement, unchanged base first): chr3-41227309-GCTAT-G. GRCh37 (hg19) VCF-style: chr3-41268800-GCTAT-G.
Other names: c.1041_1044del, p.Val349fs (NM_001098209.2, NM_001098210.2); c.1020_1023del, p.Val342fs (NM_001330729.2); short protein forms V349fs, V342fs.
Identifiers: ClinVar variation 801961 (VCV000801961.3), dbSNP rs1575320216, ClinGen allele CA658761440.

ClinVar aggregate classification (germline): Pathogenic. Review status: criteria provided, multiple submitters, no conflicts (2 of 4 stars). 2 submissions from 2 submitters: Pathogenic (2). Last evaluated 2019-05-28.

Conditions:
Severe intellectual disability-progressive spastic diplegia syndrome (NEDSDV). Also called: CTNNB1 Neurodevelopmental Disorder; NEURODEVELOPMENTAL DISORDER WITH SPASTIC DIPLEGIA AND VISUAL DEFECTS. Identifiers: Orphanet 404473, MedGen C3554449, MONDO:0014035, OMIM 615075.
Hepatocellular carcinoma (HCC). Also called: Primary carcinoma of liver; HEPATOMA; LIVER CELL CARCINOMA. Identifiers: Orphanet 88673, MedGen C2239176, MONDO:0007256, OMIM 114550, HP:0001402.

Submissions (2):

Mendelics
Classification: Pathogenic for Hepatocellular carcinoma. Last evaluated: 2019-05-28. Review status: criteria provided, single submitter. Criteria: Mendelics Assertion Criteria 2017. Collection method: clinical testing. Allele origin: unknown.

Juno Genomics, Hangzhou Juno Genomics, Inc
Classification: Pathogenic for Severe intellectual disability-progressive spastic diplegia syndrome. Review status: criteria provided, single submitter. Criteria: ACMG Guidelines, 2015. Collection method: clinical testing. Allele origin: germline. Affected: yes.
Comment: Null variant in a gene where loss of function (LOF) is a known mechanism of disease.;Absent from controls (or at extremely low frequency if recessive) in Genome Aggregation Database, Exome Sequencing Project, 1000 Genomes Project, or Exome Aggregation Consortium.;The prevalence of the variant in affected individuals is significantly increased compared to the prevalence in controls.;De novo (both maternity and paternity confirmed) in a patient with the disease and no family history.